The following is an entry in ClinVar:

NM_003128.3(SPTBN1):c.259A>T (p.Met87Leu)

Gene: SPTBN1 (spectrin beta, non-erythrocytic 1; plus strand). Cytogenetic location: 2p16.2.
Variant type: single nucleotide variant.
Coding change: c.259A>T on transcript NM_003128.3 (MANE Select); coding-DNA position 259, A replaced by T.
Protein change: p.Met87Leu; replaces methionine 87 with leucine.
Molecular consequence: missense variant.
Genome position (GRCh38, 1-based): chr2:54,599,202, A>T. VCF-style: chr2-54599202-A-T. GRCh37 (hg19) VCF-style: chr2-54826339-A-T.
Other names: c.220A>T, p.Met74Leu (NM_178313.3); short protein forms M87L, M74L.
Identifiers: ClinVar variation 451355 (VCV000451355.2), dbSNP rs1553338193, ClinGen allele CA346855663.

ClinVar aggregate classification (germline): Uncertain significance (1 of 4 stars; one submission).

Allele frequency attached by ClinVar (database versions not stated): TOPMed below 0.00001.

Submission:

GeneDx
Classification: Uncertain significance. Last evaluated: 2017-08-18. Review status: criteria provided, single submitter. Criteria: GeneDx Variant Classification (06012015). Collection method: clinical testing. Allele origin: germline. Affected: yes.
Comment: The M87L variant in the SPTBN1 gene has not been reported previously as a pathogenic variant, nor as a benign variant, to our knowledge. The M87L variant is not observed in large population cohorts (Lek et al., 2016; 1000 Genomes Consortium et al., 2015; Exome Variant Server). The M87L variant is a conservative amino acid substitution, which is not likely to impact secondary protein structure as these residues share similar properties. This substitution occurs at a position that is conserved across species. In silico analysis is inconsistent in its predictions as to whether or not the variant is damaging to the protein structure/function. We interpret M87L as a variant of uncertain significance.